The following is an entry in ClinVar:

ClinVar aggregate classification (germline): Uncertain significance. Review status: criteria provided, multiple submitters, no conflicts (2 of 4 stars). 2 submissions from 2 submitters: Uncertain significance (2). Last evaluated 2025-08-05.

Conditions:
Autosomal recessive limb-girdle muscular dystrophy type 2J (LGMDR10). Also called: Limb-girdle muscular dystrophy, type 2J; MUSCULAR DYSTROPHY, LIMB-GIRDLE, AUTOSOMAL RECESSIVE 10. Identifiers: Orphanet 140922, MedGen C1837342, MONDO:0012127, OMIM 608807.
Dilated cardiomyopathy 1G (CMD1G). Identifiers: Orphanet 154, MedGen C1858763, MONDO:0011400, OMIM 604145.
Cardiomyopathy (CMYO). Also called: Cardiomyopathies. Identifiers: Orphanet 167848, MedGen C0878544, MONDO:0004994, HP:0001638. Inheritance: Various modes of inheritance.

Allele frequency attached by ClinVar (database versions not stated): TOPMed 0.00002; gnomAD 0.00003 and 0.00004.

Submissions (2):

Labcorp Genetics (formerly Invitae), Labcorp
Classification: Uncertain significance for Dilated cardiomyopathy 1G; Autosomal recessive limb-girdle muscular dystrophy type 2J. Last evaluated: 2025-08-05. Review status: criteria provided, single submitter. Criteria: Invitae Variant Classification Sherloc (09022015). Collection method: clinical testing. Allele origin: germline.
Comment: This sequence change replaces histidine, which is basic and polar, with arginine, which is basic and polar, at codon 35480 of the TTN protein (p.His35480Arg). This variant is not present in population databases (gnomAD no frequency). This variant has not been reported in the literature in individuals affected with TTN-related conditions. ClinVar contains an entry for this variant (Variation ID: 466753). An algorithm developed to predict the effect of missense changes on protein structure and function outputs the following: PolyPhen-2: "Not Available". The arginine amino acid residue is found in multiple mammalian species, which suggests that this missense change does not adversely affect protein function. This variant is located in the M band of TTN (PMID: 25589632). Non-truncating variants in this region may be relevant for neuromuscular disorders, but have not been definitively shown to cause cardiomyopathy (PMID: 23975875). In summary, the available evidence is currently insufficient to determine the role of this variant in disease. Therefore, it has been classified as a Variant of Uncertain Significance.

CHEO Genetics Diagnostic Laboratory, Children's Hospital of Eastern Ontario
Classification: Uncertain significance for Cardiomyopathy. Last evaluated: 2016-01-19. Review status: criteria provided, single submitter. Criteria: ACMG Guidelines, 2015. Collection method: clinical testing. Allele origin: germline. Study: Canadian Open Genetics Repository.

Literature cited by the submitters: PubMed 25589632 (cited by Labcorp Genetics (formerly Invitae), Labcorp); PubMed 23975875 (cited by Labcorp Genetics (formerly Invitae), Labcorp).

NM_001267550.2(TTN):c.106439A>G (p.His35480Arg)

Genes: TTN-AS1 (TTN antisense RNA 1; plus strand), TTN (titin; minus strand). Cytogenetic location: 2q31.2.
Variant type: single nucleotide variant.
Coding change: c.106439A>G on transcript NM_001267550.2 (MANE Select); coding-DNA position 106439, A replaced by G.
Protein change: p.His35480Arg; replaces histidine 35480 with arginine.
Molecular consequence: missense variant.
Genome position (GRCh38, 1-based): chr2:178,530,052, T>C on the plus strand (A>G on the coding strand, the complement: TTN is on the minus strand). VCF-style: chr2-178530052-T-C. GRCh37 (hg19) VCF-style: chr2-179394779-T-C.
Other names: c.101516A>G, p.His33839Arg (NM_001256850.1); c.79244A>G, p.His26415Arg (NM_003319.4); c.98735A>G, p.His32912Arg (NM_133378.4); c.79619A>G, p.His26540Arg (NM_133432.3); c.79820A>G, p.His26607Arg (NM_133437.4); short protein forms H35480R, H33839R, H32912R, H26607R, H26415R, H26540R.
Identifiers: ClinVar variation 466753 (VCV000466753.11), dbSNP rs766337455, ClinGen allele CA60953022.
Genomic context (GRCh38, chr2:178,530,052, plus strand): 5'-GATCCAGCTGAATTTTTTACTGTACAAGTATAAAGTCCACTGTCAGAAGTATCAGTCTTA[T>C]GAATTTCTAAGAAGAACCCTCCCTTGTCTTCAGAGAGTTTATATTTACCTCCTTGTGTAA-3'
Protein context (NP_001254479.2, residues 35470-35490): EDKGGFFLEI[His35480Arg]KTDTSDSGLY